The following is an entry in ClinVar:

ClinVar aggregate classification (germline): Uncertain significance (1 of 4 stars; one submission).

Submission:

Ambry Genetics
Classification: Uncertain significance. Last evaluated: 2022-09-25. Review status: criteria provided, single submitter. Criteria: Ambry Variant Classification Scheme 2023. Collection method: clinical testing. Allele origin: germline.
Comment: The c.839+1G>C intronic variant results from a G to C substitution one nucleotide after coding exon 6 of the RINT1 gene. This nucleotide position is highly conserved in available vertebrate species. In silico splice site analysis for this alteration is inconclusive. Alterations that disrupt the canonical splice site are expected to cause aberrant splicing, resulting in an abnormal protein or a transcript that is subject to nonsense-mediated mRNA decay. The evidence for this gene-disease relationship is limited; therefore, the clinical significance of this alteration is unclear.

NM_021930.6(RINT1):c.839+1G>C

Gene: RINT1 (RAD50 interactor 1; plus strand). Cytogenetic location: 7q22.3.
Variant type: single nucleotide variant.
Coding change: c.839+1G>C on transcript NM_021930.6 (MANE Select); the canonical splice donor site of the intron after coding-DNA position 839, G replaced by C.
Molecular consequence: splice donor variant. On other transcripts: intron variant (1).
Genome position (GRCh38, 1-based): chr7:105,547,334, G>C. VCF-style: chr7-105547334-G-C. GRCh37 (hg19) VCF-style: chr7-105187781-G-C.
Other names: c.-181+1G>C (NM_001346600.2); c.-84+1G>C (NM_001346601.2); c.-27-2721G>C (NM_001346603.2); c.605+1G>C (NM_001346599.2).
Identifiers: ClinVar variation 1763193 (VCV001763193.2), dbSNP rs1042754408, ClinGen allele CA368806571.
Genomic context (GRCh38, chr7:105,547,334, plus strand): 5'-CCCGGAGATATACAGTTACCTGGAGACACTGTTTTGTCAGCTTTTGAAACTACAAACCTC[G>C]TATCTTTGTTGCAGCTGAAAACTTACTAAAATTTCTTTTTTCTAGAATGGGTTTGTGGCT-3'